The following is an entry in ClinVar:

ClinVar aggregate classification (germline): Pathogenic. Review status: criteria provided, multiple submitters, no conflicts (2 of 4 stars). 2 submissions from 2 submitters: Pathogenic (2). Last evaluated 2022-01-17.

Conditions:
Lissencephaly due to LIS1 mutation (LIS1). Also called: PAFAH1B1-Associated Lissencephaly/Subcortical Band Heterotopia; PAFAH1B1-Related Lissencephaly/Subcortical Band Heterotopia; Isolated Lissencephaly Sequence. Identifiers: Orphanet 95232, MedGen C4749301, MONDO:0011830, OMIM 607432.

Submissions (2):

GeneDx
Classification: Pathogenic. Last evaluated: 2022-01-17. Review status: criteria provided, single submitter. Criteria: GeneDx Variant Classification Process June 2021. Collection method: clinical testing. Allele origin: germline. Affected: yes.
Comment: Nonsense variant predicted to result in protein truncation or nonsense mediated decay in a gene for which loss-of-function is a known mechanism of disease; Not observed at significant frequency in large population cohorts (gnomAD); Has not been previously published as pathogenic or benign to our knowledge; This variant is associated with the following publications: (PMID: 36100855)

Genetic Services Laboratory, University of Chicago
Classification: Pathogenic for Lissencephaly 1. Last evaluated: 2013-02-08. Review status: criteria provided, single submitter. Criteria: ACMG Guidelines, 2007. Collection method: clinical testing. Allele origin: germline. Inheritance: Autosomal dominant inheritance. Affected: yes.

NM_000430.4(PAFAH1B1):c.632C>G (p.Ser211Ter)

Gene: PAFAH1B1 (platelet activating factor acetylhydrolase 1b regulatory subunit 1; plus strand). Cytogenetic location: 17p13.3.
Variant type: single nucleotide variant.
Coding change: c.632C>G on transcript NM_000430.4 (MANE Select); coding-DNA position 632, C replaced by G.
Protein change: p.Ser211Ter; replaces serine 211 with a stop codon.
Molecular consequence: nonsense.
Genome position (GRCh38, 1-based): chr17:2,672,718, C>G. VCF-style: chr17-2672718-C-G. GRCh37 (hg19) VCF-style: chr17-2576012-C-G.
Other names: short protein forms S211*.
Identifiers: ClinVar variation 159530 (VCV000159530.7), dbSNP rs587784273, ClinGen allele CA272421.